The following is an entry in ClinVar:

ClinVar aggregate classification (germline): Uncertain significance (0 of 4 stars; one submission).

Conditions:
PHIP-related disorder. Also called: PHIP-related condition; PHIP-related disorders.

gnomAD v4.1: 1 of 1,610,884 alleles (0.000062%); highest among the groups gnomAD compares: Non-Finnish European, 0.000085%; no homozygotes.

Submission:

PreventionGenetics, part of Exact Sciences
Classification: Uncertain significance for PHIP-related condition. Last evaluated: 2024-09-10. Review status: no assertion criteria provided. Collection method: clinical testing. Allele origin: germline.
Comment: The PHIP c.1972C>T variant is predicted to result in the amino acid substitution p.Arg658Cys. To our knowledge, this variant has not been reported in the literature or in a large population database, indicating this variant is rare. At this time, the clinical significance of this variant is uncertain due to the absence of conclusive functional and genetic evidence.

NM_017934.7(PHIP):c.1972C>T (p.Arg658Cys)

Gene: PHIP (PHIP subunit of CUL4-Ring ligase complex; minus strand). Cytogenetic location: 6q14.1.
Variant type: single nucleotide variant.
Coding change: c.1972C>T on transcript NM_017934.7 (MANE Select); coding-DNA position 1972, C replaced by T.
Protein change: p.Arg658Cys; replaces arginine 658 with cysteine.
Molecular consequence: missense variant.
Genome position (GRCh38, 1-based): chr6:78,998,299, G>A on the plus strand (C>T on the coding strand, the complement: PHIP is on the minus strand). VCF-style: chr6-78998299-G-A. GRCh37 (hg19) VCF-style: chr6-79708016-G-A.
Other names: short protein forms R658C.
Identifiers: ClinVar variation 3346219 (VCV003346219.1).